The following is an entry in ClinVar:

NM_000814.6(GABRB3):c.118A>G (p.Thr40Ala)

Gene: GABRB3 (gamma-aminobutyric acid type A receptor subunit beta3; minus strand). Cytogenetic location: 15q12.
Variant type: single nucleotide variant.
Coding change: c.118A>G on transcript NM_000814.6 (MANE Select); coding-DNA position 118, A replaced by G.
Protein change: p.Thr40Ala; replaces threonine 40 with alanine.
Molecular consequence: missense variant. On other transcripts: 5 prime UTR variant (1).
Genome position (GRCh38, 1-based): chr15:26,772,735, T>C on the plus strand (A>G on the coding strand, the complement: GABRB3 is on the minus strand). VCF-style: chr15-26772735-T-C. GRCh37 (hg19) VCF-style: chr15-27017882-T-C.
Other names: c.-234A>G (NM_001278631.2); c.118A>G, p.Thr40Ala (NM_021912.5); short protein forms T40A.
Identifiers: ClinVar variation 2923851 (VCV002923851.3), dbSNP rs1426593784, ClinGen allele CA391465447.

ClinVar aggregate classification (germline): Uncertain significance (1 of 4 stars; one submission).

Conditions:
Epilepsy, childhood absence, susceptibility to, 1. Also called: Epilepsy, childhood absence 1. Identifiers: Orphanet 64280, MedGen C1838604, MONDO:0020759, OMIM 600131.
Epilepsy, childhood absence, susceptibility to, 5. Identifiers: Orphanet 64280, MedGen C2677087, MONDO:0012843, OMIM 612269.

Allele frequency attached by ClinVar (database versions not stated): gnomAD exomes 0.00001.
gnomAD v4.1: 3 of 1,573,372 alleles (0.00019%); highest among the groups gnomAD compares: Non-Finnish European, 0.00026%; no homozygotes.

Submission:

Labcorp Genetics (formerly Invitae), Labcorp
Classification: Uncertain significance for Epilepsy, childhood absence, susceptibility to, 5; Epilepsy, childhood absence, susceptibility to, 1. Last evaluated: 2024-01-11. Review status: criteria provided, single submitter. Criteria: Invitae Variant Classification Sherloc (09022015). Collection method: clinical testing. Allele origin: germline.
Comment: This sequence change replaces threonine, which is neutral and polar, with alanine, which is neutral and non-polar, at codon 40 of the GABRB3 protein (p.Thr40Ala). The frequency data for this variant in the population databases is considered unreliable, as metrics indicate poor data quality at this position in the gnomAD database. This variant has not been reported in the literature in individuals affected with GABRB3-related conditions. Advanced modeling of protein sequence and biophysical properties (such as structural, functional, and spatial information, amino acid conservation, physicochemical variation, residue mobility, and thermodynamic stability) has been performed at Invitae for this missense variant, however the output from this modeling did not meet the statistical confidence thresholds required to predict the impact of this variant on GABRB3 protein function. In summary, the available evidence is currently insufficient to determine the role of this variant in disease. Therefore, it has been classified as a Variant of Uncertain Significance.